The following is an entry in ClinVar:

NM_033124.5(DRC2):c.548T>C (p.Ile183Thr)

Gene: DRC2 (dynein regulatory complex subunit 2; plus strand). Cytogenetic location: 12q13.12.
Variant type: single nucleotide variant.
Coding change: c.548T>C on transcript NM_033124.5 (MANE Select); coding-DNA position 548, T replaced by C.
Protein change: p.Ile183Thr; replaces isoleucine 183 with threonine.
Molecular consequence: missense variant.
Genome position (GRCh38, 1-based): chr12:48,917,047, T>C. VCF-style: chr12-48917047-T-C. GRCh37 (hg19) VCF-style: chr12-49310830-T-C.
Other names: c.119T>C, p.Ile40Thr (NM_001286957.2); short protein forms I183T, I40T.
Identifiers: ClinVar variation 241746 (VCV000241746.7), dbSNP rs151189508, ClinGen allele CA6543273.

ClinVar aggregate classification (germline): Uncertain significance. Review status: criteria provided, multiple submitters, no conflicts (2 of 4 stars). 2 submissions from 2 submitters: Uncertain significance (2). Last evaluated 2022-10-24.

Conditions:
Primary ciliary dyskinesia 27. Also called: CILIARY DYSKINESIA, PRIMARY, 27, WITHOUT SITUS INVERSUS. Identifiers: Orphanet 244, MedGen C3809701, MONDO:0014215, OMIM 615504.

Allele frequency attached by ClinVar (database versions not stated): 1000 Genomes Project 30x 0.00016; 1000 Genomes Project 0.00020; gnomAD exomes 0.00023 and 0.00052; ExAC 0.00025; gnomAD 0.00030 and 0.00032; TOPMed 0.00040; ESP Exome Variant Server 0.00062.
gnomAD v4.1: 811 of 1,614,094 alleles (0.05%); highest among the groups gnomAD compares: Non-Finnish European, 0.064%; no homozygotes.

Submissions (2):

Labcorp Genetics (formerly Invitae), Labcorp
Classification: Uncertain significance for Primary ciliary dyskinesia 27. Last evaluated: 2022-10-24. Review status: criteria provided, single submitter. Criteria: Invitae Variant Classification Sherloc (09022015). Collection method: clinical testing. Allele origin: germline.
Comment: This sequence change replaces isoleucine, which is neutral and non-polar, with threonine, which is neutral and polar, at codon 183 of the CCDC65 protein (p.Ile183Thr). This variant is present in population databases (rs151189508, gnomAD 0.04%). This variant has not been reported in the literature in individuals affected with CCDC65-related conditions. ClinVar contains an entry for this variant (Variation ID: 241746). Algorithms developed to predict the effect of missense changes on protein structure and function output the following: SIFT: "Tolerated"; PolyPhen-2: "Benign"; Align-GVGD: "Class C0". The threonine amino acid residue is found in multiple mammalian species, which suggests that this missense change does not adversely affect protein function. In summary, the available evidence is currently insufficient to determine the role of this variant in disease. Therefore, it has been classified as a Variant of Uncertain Significance.

Breakthrough Genomics
Classification: Uncertain significance. Review status: criteria provided, single submitter. Criteria: ACMG Guidelines, 2015. Collection method: not provided. Allele origin: germline. Inheritance: Autosomal recessive inheritance. Affected: yes.